The following is an entry in ClinVar:

NM_000258.3(MYL3):c.304G>A (p.Glu102Lys)

Gene: MYL3 (myosin light chain 3; minus strand). Cytogenetic location: 3p21.31.
Variant type: single nucleotide variant.
Coding change: c.304G>A on transcript NM_000258.3 (MANE Select); coding-DNA position 304, G replaced by A.
Protein change: p.Glu102Lys; replaces glutamic acid 102 with lysine.
Molecular consequence: missense variant.
Genome position (GRCh38, 1-based): chr3:46,860,679, C>T on the plus strand (G>A on the coding strand, the complement: MYL3 is on the minus strand). VCF-style: chr3-46860679-C-T. GRCh37 (hg19) VCF-style: chr3-46902169-C-T.
Other names: c.304G>A, p.Glu102Lys (NM_001406937.1, NM_001406938.1, NM_001406939.1); c.130G>A, p.Glu44Lys (NM_001406940.1, NM_001406941.1); short protein forms E102K, E44K.
Identifiers: ClinVar variation 3618100 (VCV003618100.3).
Genomic context (GRCh38, chr3:46,860,679, plus strand): 5'-CACCCAGCCAGTCTCCCCGGTACTAACACTATGGGGGCTCTCGGGCAGGTGCACTACCTT[C>T]CTGTCTTGGCTTCCCCAGGACACGGAGCACTTCTGCCTGTGTGGGGTTCTGGCCCAGCGC-3'
Protein context (NP_000249.1, residues 92-112): VLRVLGKPRQ[Glu102Lys]ELNTKMMDFE

ClinVar aggregate classification (germline): Uncertain significance. Review status: criteria provided, multiple submitters, no conflicts (2 of 4 stars). 2 submissions from 2 submitters: Uncertain significance (2). Last evaluated 2025-02-10.

Conditions:
Hypertrophic cardiomyopathy. Also called: HYPERTROPHIC MYOCARDIOPATHY. Identifiers: Orphanet 217569, MedGen C0007194, MeSH D002312, MONDO:0005045, HP:0001639.

gnomAD v4.1: 3 of 1,613,810 alleles (0.00019%); highest among the groups gnomAD compares: East Asian, 0.0022%; no homozygotes.

Submissions (2):

Women's Health and Genetics/Laboratory Corporation of America, LabCorp
Classification: Uncertain significance. Last evaluated: 2025-02-10. Review status: criteria provided, single submitter. Criteria: LabCorp Variant Classification Summary - May 2015. Collection method: clinical testing. Allele origin: germline.

Labcorp Genetics (formerly Invitae), Labcorp
Classification: Uncertain significance for Hypertrophic cardiomyopathy. Last evaluated: 2024-09-17. Review status: criteria provided, single submitter. Criteria: Invitae Variant Classification Sherloc (09022015). Collection method: clinical testing. Allele origin: germline.
Comment: This sequence change replaces glutamic acid, which is acidic and polar, with lysine, which is basic and polar, at codon 102 of the MYL3 protein (p.Glu102Lys). This variant is not present in population databases (gnomAD no frequency). This variant has not been reported in the literature in individuals affected with MYL3-related conditions. An algorithm developed to predict the effect of missense changes on protein structure and function (PolyPhen-2) suggests that this variant is likely to be disruptive. In summary, the available evidence is currently insufficient to determine the role of this variant in disease. Therefore, it has been classified as a Variant of Uncertain Significance.